The following is an entry in ClinVar:

NM_001287.6(CLCN7):c.746C>T (p.Pro249Leu)

Gene: CLCN7 (Cl-/H+ antiporter 7; minus strand). Cytogenetic location: 16p13.3.
Variant type: single nucleotide variant.
Coding change: c.746C>T on transcript NM_001287.6 (MANE Select); coding-DNA position 746, C replaced by T.
Protein change: p.Pro249Leu; replaces proline 249 with leucine.
Molecular consequence: missense variant.
Genome position (GRCh38, 1-based): chr16:1,457,330, G>A on the plus strand (C>T on the coding strand, the complement: CLCN7 is on the minus strand). VCF-style: chr16-1457330-G-A. GRCh37 (hg19) VCF-style: chr16-1507331-G-A.
Other names: c.746C>T (NM_001287.5); c.674C>T, p.Pro225Leu (NM_001114331.3); short protein forms P225L, P249L.
Identifiers: ClinVar variation 1453932 (VCV001453932.9), dbSNP rs2038850050, ClinGen allele CA394191132.

ClinVar aggregate classification (germline): Pathogenic. Review status: criteria provided, multiple submitters, no conflicts (2 of 4 stars). 4 submissions from 4 submitters: Pathogenic (4). Last evaluated 2025-12-26.

Conditions:
CLCN7-related disorder. Also called: CLCN7-related condition.

Allele frequency attached by ClinVar (database versions not stated): gnomAD 0.00001.
gnomAD v4.1: 5 of 1,613,422 alleles (0.00031%); highest among the groups gnomAD compares: Non-Finnish European, 0.00034%; no homozygotes.

Submissions (4):

Labcorp Genetics (formerly Invitae), Labcorp
Classification: Pathogenic. Last evaluated: 2025-12-26. Review status: criteria provided, single submitter. Criteria: Invitae Variant Classification Sherloc (09022015). Collection method: clinical testing. Allele origin: germline.
Comment: This sequence change replaces proline, which is neutral and non-polar, with leucine, which is neutral and non-polar, at codon 249 of the CLCN7 protein (p.Pro249Leu). This variant is not present in population databases (gnomAD no frequency). This missense change has been observed in individuals with autosomal dominant osteopetrosis (PMID: 11741829, 30759959). ClinVar contains an entry for this variant (Variation ID: 1453932). Invitae Evidence Modeling of protein sequence and biophysical properties (such as structural, functional, and spatial information, amino acid conservation, physicochemical variation, residue mobility, and thermodynamic stability) indicates that this missense variant is expected to disrupt CLCN7 protein function with a positive predictive value of 95%. Experimental studies have shown that this missense change affects CLCN7 function (PMID: 19543743). This variant disrupts the p.Pro249 amino acid residue in CLCN7. Other variant(s) that disrupt this residue have been observed in individuals with CLCN7-related conditions (PMID: 31085352), which suggests that this may be a clinically significant amino acid residue. For these reasons, this variant has been classified as Pathogenic.

Center for Genomic Medicine, Rigshospitalet, Copenhagen University Hospital
Classification: Pathogenic. Last evaluated: 2025-03-04. Review status: criteria provided, single submitter. Criteria: ACMG Guidelines, 2015. Collection method: clinical testing. Allele origin: germline.

Blueprint Genetics
Classification: Pathogenic for CLCN7-related disorders. Last evaluated: 2024-05-28. Review status: criteria provided, single submitter. Criteria: ACMG Guidelines, 2015. Collection method: clinical testing. Allele origin: germline. Affected: yes. Observed: 5 variant alleles.

GeneDx
Classification: Pathogenic. Last evaluated: 2023-11-27. Review status: criteria provided, single submitter. Criteria: GeneDx Variant Classification Process June 2021. Collection method: clinical testing. Allele origin: germline. Affected: yes.
Comment: Published functional studies demonstrate a damaging effect causing a decrease in chloride ion currents compared to wild type (PMID: 19543743); Not observed at significant frequency in large population cohorts (gnomAD); In silico analysis supports that this missense variant has a deleterious effect on protein structure/function; Reported in two families with autosomal dominant osteopetrosis (PMID: 11741829); This variant is associated with the following publications: (PMID: 31085352, 11741829, 19543743, 30759959, 30867839, Tie2023[casereport], 33125761, 19288050, 27325559, 21061117, 36051116)

Literature cited by the submitters: PubMed 11741829 (cited by Labcorp Genetics (formerly Invitae), Labcorp and Center for Genomic Medicine, Rigshospitalet, Copenhagen University Hospital); PubMed 30759959 (cited by Labcorp Genetics (formerly Invitae), Labcorp and Center for Genomic Medicine, Rigshospitalet, Copenhagen University Hospital); PubMed 19543743 (cited by Labcorp Genetics (formerly Invitae), Labcorp and Center for Genomic Medicine, Rigshospitalet, Copenhagen University Hospital); PubMed 31085352 (cited by Labcorp Genetics (formerly Invitae), Labcorp).